The following is an entry in ClinVar:

ClinVar aggregate classification (germline): Conflicting classifications of pathogenicity. Review status: criteria provided, conflicting classifications (1 of 4 stars). 4 submissions from 4 submitters: Uncertain significance (3); Likely benign (1). Last evaluated 2025-09-02.

Conditions:
Hereditary cancer-predisposing syndrome. Also called: Neoplastic Syndromes, Hereditary; Hereditary Cancer Syndrome; Tumor predisposition; Hereditary neoplastic syndrome. Identifiers: Orphanet 140162, MedGen C0027672, MeSH D009386, MONDO:0015356.
Ataxia-telangiectasia syndrome (AT). Also called: Ataxia-telangiectasia, complementation group D; AT, COMPLEMENTATION GROUP C; Ataxia-telangiectasia, complementation group E; Cerebello-oculocutaneous telangiectasia; Immunodeficiency with ataxia telangiectasia; ATAXIA-TELANGIECTASIA, COMPLEMENTATION GROUP A. Identifiers: Orphanet 100, MedGen C0004135, MONDO:0008840, OMIM 208900.

Allele frequency attached by ClinVar (database versions not stated): gnomAD exomes below 0.00001; ExAC 0.00001.
gnomAD v4.1: 3 of 1,614,198 alleles (0.00019%); highest among the groups gnomAD compares: Non-Finnish European, 0.00025%; no homozygotes.

Submissions (4):

Ambry Genetics
Classification: Likely benign for Hereditary cancer-predisposing syndrome. Last evaluated: 2025-09-02. Review status: criteria provided, single submitter. Criteria: Ambry Variant Classification Scheme 2023. Collection method: clinical testing. Allele origin: germline.

Color Diagnostics, LLC DBA Color Health
Classification: Uncertain significance for Hereditary cancer-predisposing syndrome. Last evaluated: 2023-12-07. Review status: criteria provided, single submitter. Criteria: ACMG Guidelines, 2015. Collection method: clinical testing. Allele origin: germline.
Comment: This missense variant replaces methionine with leucine at codon 855 of the ATM protein. Computational prediction suggests that this variant may not impact protein structure and function. To our knowledge, functional studies have not been reported for this variant. This variant has not been reported in individuals affected with ATM-related disorders in the literature. This variant has been identified in 1/251432 chromosomes in the general population by the Genome Aggregation Database (gnomAD). The available evidence is insufficient to determine the role of this variant in disease conclusively. Therefore, this variant is classified as a Variant of Uncertain Significance.

Genetic Services Laboratory, University of Chicago
Classification: Uncertain significance. Last evaluated: 2021-10-08. Review status: criteria provided, single submitter. Criteria: ACMG Guidelines, 2015. Collection method: clinical testing. Allele origin: germline. Affected: no.
Comment: DNA sequence analysis of the ATM gene demonstrated a sequence change, c.2563A>T, in exon 17 that results in an amino acid change, p.Met855Leu. This sequence change has been described in the gnomAD database in one individual which corresponds to a population frequency of 0.00040% (dbSNP rs749844591). The p.Met855Leu change affects a poorly conserved amino acid residue located in a domain of the ATM protein that is not known to be functional. The p.Met855Leu substitution appears to be benign using several in-silico pathogenicity prediction tools (SIFT, PolyPhen2, Align GVGD, REVEL). This sequence change does not appear to have been previously described in individuals with ATM-related disorders. Due to insufficient evidence and the lack of functional studies, the clinical significance of the p.Met855Leu change remains unknown at this time.

Labcorp Genetics (formerly Invitae), Labcorp
Classification: Uncertain significance for Ataxia-telangiectasia syndrome. Last evaluated: 2020-08-14. Review status: criteria provided, single submitter. Criteria: Invitae Variant Classification Sherloc (09022015). Collection method: clinical testing. Allele origin: germline.
Comment: In summary, the available evidence is currently insufficient to determine the role of this variant in disease. Therefore, it has been classified as a Variant of Uncertain Significance. Algorithms developed to predict the effect of missense changes on protein structure and function (SIFT, PolyPhen-2, Align-GVGD) all suggest that this variant is likely to be tolerated, but these predictions have not been confirmed by published functional studies and their clinical significance is uncertain. This variant has not been reported in the literature in individuals with ATM-related disease. This variant is present in population databases (rs749844591, ExAC 0.001%). This sequence change replaces methionine with leucine at codon 855 of the ATM protein (p.Met855Leu). The methionine residue is weakly conserved and there is a small physicochemical difference between methionine and leucine.

NM_000051.4(ATM):c.2563A>T (p.Met855Leu)

Gene: ATM (ATM serine/threonine kinase; plus strand). Cytogenetic location: 11q22.3.
Variant type: single nucleotide variant.
Coding change: c.2563A>T on transcript NM_000051.4 (MANE Select); coding-DNA position 2563, A replaced by T.
Protein change: p.Met855Leu; replaces methionine 855 with leucine.
Molecular consequence: missense variant.
Genome position (GRCh38, 1-based): chr11:108,267,267, A>T. VCF-style: chr11-108267267-A-T. GRCh37 (hg19) VCF-style: chr11-108137994-A-T.
Other names: c.2563A>T, p.Met855Leu (NM_001351834.2); short protein forms M855L.
Identifiers: ClinVar variation 581683 (VCV000581683.18), dbSNP rs749844591, ClinGen allele CA6265061.